The following is an entry in ClinVar:

ClinVar aggregate classification (germline): Likely pathogenic (1 of 4 stars; one submission).

Conditions:
Polyglandular autoimmune syndrome, type 1 (APS1). Also called: PGA I; Autoimmune polyendocrine syndrome type 1; AUTOIMMUNE POLYENDOCRINE SYNDROME, TYPE I, WITH OR WITHOUT REVERSIBLE METAPHYSEAL DYSPLASIA; APS I; Autoimmune polyendocrinopathy syndrome, type I; HYPOADRENOCORTICISM WITH HYPOPARATHYROIDISM AND SUPERFICIAL MONILIASIS. Identifiers: Orphanet 3453, MedGen C0085859, MONDO:0009411, OMIM 240300.

Submission:

Myriad Genetics, Inc.
Classification: Likely pathogenic for Polyglandular autoimmune syndrome, type 1. Last evaluated: 2022-01-02. Review status: criteria provided, single submitter. Criteria: Myriad Women's Health Autosomal Recessive and X-Linked Classification Criteria (2021). Collection method: clinical testing. Allele origin: unknown.
Comment: NM_000383.3(AIRE):c.487_489delCCCinsA(P163Kfs*53) is expected to be pathogenic in the context of autoimmune polyglandular syndrome type 1. This variant is predicted to lead to an abnormal or absent protein product due to the creation of a premature termination codon in AIRE, a gene where loss-of-function variants are known to be pathogenic. Please note: this variant was assessed in the context of healthy population screening.

NM_000383.4(AIRE):c.487_489delinsA (p.Pro163fs)

Gene: AIRE (autoimmune regulator; plus strand). Cytogenetic location: 21q22.3.
Variant type: Indel.
Coding change: c.487_489delinsA on transcript NM_000383.4 (MANE Select); coding-DNA positions 487 to 489, CCC replaced by A.
Protein change: p.Pro163fs; shifts the reading frame from proline 163.
Molecular consequence: frameshift variant.
Genome position (GRCh38, 1-based): chr21:44,287,540-44,287,542, CCC replaced by A. VCF-style: chr21-44287540-CCC-A. GRCh37 (hg19) VCF-style: chr21-45707423-CCC-A.
Other names: short protein forms P163fs.
Identifiers: ClinVar variation 1726785 (VCV001726785.2), dbSNP rs2517877698, ClinGen allele CA2580098842.